The following is an entry in ClinVar:

ClinVar aggregate classification (germline): Likely pathogenic (1 of 4 stars; one submission).

Conditions:
Okur-Chung neurodevelopmental syndrome (OCNDS). Identifiers: Orphanet 689422, MedGen C4310739, MONDO:0014893, OMIM 617062.

Submission:

Baylor Genetics
Classification: Likely pathogenic for Okur-Chung neurodevelopmental syndrome. Last evaluated: 2018-12-19. Review status: criteria provided, single submitter. Criteria: ACMG Guidelines, 2015. Collection method: clinical testing. Allele origin: de novo. Affected: yes.
Comment: This variant was determined to be likely pathogenic according to ACMG Guidelines, 2015 [PMID:25741868].

NM_177559.3(CSNK2A1):c.481A>G (p.Asn161Asp)

Gene: CSNK2A1 (casein kinase 2 alpha 1; minus strand). Cytogenetic location: 20p13.
Variant type: single nucleotide variant.
Coding change: c.481A>G on transcript NM_177559.3 (MANE Select); coding-DNA position 481, A replaced by G.
Protein change: p.Asn161Asp; replaces asparagine 161 with aspartic acid.
Molecular consequence: missense variant.
Genome position (GRCh38, 1-based): chr20:495,748, T>C on the plus strand (A>G on the coding strand, the complement: CSNK2A1 is on the minus strand). VCF-style: chr20-495748-T-C. GRCh37 (hg19) VCF-style: chr20-476392-T-C.
Other names: c.481A>G, p.Asn161Asp (NM_001362770.2, NM_001362771.2, NM_001895.4); c.73A>G, p.Asn25Asp (NM_177560.3); short protein forms N161D, N25D.
Identifiers: ClinVar variation 1033457 (VCV001033457.1), dbSNP rs2018334698, ClinGen allele CA407933000.